The following is an entry in ClinVar:

NM_021096.4(CACNA1I):c.4950C>A (p.Asn1650Lys)

Gene: CACNA1I (calcium voltage-gated channel subunit alpha1 I; plus strand). Cytogenetic location: 22q13.1.
Variant type: single nucleotide variant.
Coding change: c.4950C>A on transcript NM_021096.4 (MANE Select); coding-DNA position 4950, C replaced by A.
Protein change: p.Asn1650Lys; replaces asparagine 1650 with lysine.
Molecular consequence: missense variant.
Genome position (GRCh38, 1-based): chr22:39,678,003, C>A. VCF-style: chr22-39678003-C-A. GRCh37 (hg19) VCF-style: chr22-40074008-C-A.
Other names: c.4845C>A, p.Asn1615Lys (NM_001003406.2); short protein forms N1615K, N1650K.
Identifiers: ClinVar variation 3364579 (VCV003364579.1).

ClinVar aggregate classification (germline): Uncertain significance (1 of 4 stars; one submission).

Submission:

GeneDx
Classification: Uncertain significance. Last evaluated: 2023-11-18. Review status: criteria provided, single submitter. Criteria: GeneDx Variant Classification Process June 2021. Collection method: clinical testing. Allele origin: germline. Affected: yes.
Comment: Not observed at significant frequency in large population cohorts (gnomAD); In silico analysis supports that this missense variant has a deleterious effect on protein structure/function; Has not been previously published as pathogenic or benign to our knowledge